The following is an entry in ClinVar:

NM_182746.3(MCM4):c.292C>T (p.Arg98Trp)

Gene: MCM4 (minichromosome maintenance complex component 4; plus strand). Cytogenetic location: 8q11.21.
Variant type: single nucleotide variant.
Coding change: c.292C>T on transcript NM_182746.3 (MANE Select); coding-DNA position 292, C replaced by T.
Protein change: p.Arg98Trp; replaces arginine 98 with tryptophan.
Molecular consequence: missense variant.
Genome position (GRCh38, 1-based): chr8:47,962,109, C>T. VCF-style: chr8-47962109-C-T. GRCh37 (hg19) VCF-style: chr8-48874669-C-T.
Other names: c.292C>T, p.Arg98Trp (NM_005914.4); short protein forms R98W.
Identifiers: ClinVar variation 2202011 (VCV002202011.2), dbSNP rs371518919, ClinGen allele CA4742252.

ClinVar aggregate classification (germline): Uncertain significance (1 of 4 stars; one submission).

Allele frequency attached by ClinVar (database versions not stated): gnomAD exomes 0.00002; ExAC 0.00009; gnomAD 0.00011; TOPMed 0.00011; ESP Exome Variant Server 0.00015.
gnomAD v4.1: 47 of 1,614,154 alleles (0.0029%); highest among the groups gnomAD compares: African/African-American, 0.037%; 1 homozygote.

Submission:

Labcorp Genetics (formerly Invitae), Labcorp
Classification: Uncertain significance. Last evaluated: 2025-03-31. Review status: criteria provided, single submitter. Criteria: Invitae Variant Classification Sherloc (09022015). Collection method: clinical testing. Allele origin: germline.
Comment: This sequence change replaces arginine, which is basic and polar, with tryptophan, which is neutral and slightly polar, at codon 98 of the MCM4 protein (p.Arg98Trp). This variant is present in population databases (rs371518919, gnomAD 0.04%). This variant has not been reported in the literature in individuals affected with MCM4-related conditions. ClinVar contains an entry for this variant (Variation ID: 2202011). An algorithm developed to predict the effect of missense changes on protein structure and function (PolyPhen-2) suggests that this variant is likely to be disruptive. In summary, the available evidence is currently insufficient to determine the role of this variant in disease. Therefore, it has been classified as a Variant of Uncertain Significance.